The following is an entry in ClinVar:

NM_015474.4(SAMHD1):c.889C>G (p.Leu297Val)

Gene: SAMHD1 (SAM and HD domain containing deoxynucleoside triphosphate triphosphohydrolase 1; minus strand). Cytogenetic location: 20q11.23.
Variant type: single nucleotide variant.
Coding change: c.889C>G on transcript NM_015474.4 (MANE Select); coding-DNA position 889, C replaced by G.
Protein change: p.Leu297Val; replaces leucine 297 with valine.
Molecular consequence: missense variant.
Genome position (GRCh38, 1-based): chr20:36,917,013, G>C on the plus strand (C>G on the coding strand, the complement: SAMHD1 is on the minus strand). VCF-style: chr20-36917013-G-C. GRCh37 (hg19) VCF-style: chr20-35545416-G-C.
Other names: c.889C>G, p.Leu297Val (NM_001363729.2, NM_001363733.2); short protein forms L297V.
Identifiers: ClinVar variation 1021389 (VCV001021389.8), dbSNP rs774197667, ClinGen allele CA408845636.

ClinVar aggregate classification (germline): Uncertain significance (1 of 4 stars; one submission).

Conditions:
Aicardi-Goutieres syndrome 5. Identifiers: Orphanet 51, MedGen C2749659, MONDO:0013059, OMIM 612952.

Submission:

Labcorp Genetics (formerly Invitae), Labcorp
Classification: Uncertain significance for Aicardi-Goutieres syndrome 5. Last evaluated: 2020-04-20. Review status: criteria provided, single submitter. Criteria: Invitae Variant Classification Sherloc (09022015). Collection method: clinical testing. Allele origin: germline.
Comment: Algorithms developed to predict the effect of missense changes on protein structure and function are either unavailable or do not agree on the potential impact of this missense change (SIFT: "Deleterious"; PolyPhen-2: "Probably Damaging"; Align-GVGD: "Class C15"). In summary, the available evidence is currently insufficient to determine the role of this variant in disease. Therefore, it has been classified as a Variant of Uncertain Significance. This variant has not been reported in the literature in individuals with SAMHD1-related conditions. This sequence change replaces leucine with valine at codon 297 of the SAMHD1 protein (p.Leu297Val). The leucine residue is highly conserved and there is a small physicochemical difference between leucine and valine. This variant is not present in population databases (ExAC no frequency).